The following is an entry in ClinVar:

ClinVar aggregate classification (germline): Uncertain significance. Review status: criteria provided, multiple submitters, no conflicts (2 of 4 stars). 2 submissions from 2 submitters: Uncertain significance (2). Last evaluated 2024-05-13.

Conditions:
Joubert syndrome 6 (JBTS6). Identifiers: Orphanet 475, MedGen C1853153, MONDO:0012539, OMIM 610688.

gnomAD v4.1: 2 of 1,586,610 alleles (0.00013%); highest among the groups gnomAD compares: Middle Eastern, 0.017%; no homozygotes.

Submissions (2):

Revvity Omics, Revvity
Classification: Uncertain significance. Last evaluated: 2024-05-13. Review status: criteria provided, single submitter. Criteria: ACMG Guidelines, 2015. Collection method: clinical testing. Allele origin: germline.

Neuberg Centre For Genomic Medicine, NCGM
Classification: Uncertain significance for Joubert syndrome 6. Last evaluated: 2024-02-01. Review status: criteria provided, single submitter. Criteria: ACMG Guidelines, 2015. Collection method: clinical testing. Allele origin: germline. Inheritance: Autosomal recessive inheritance.
Comment: The missense variant has not been reported previously as a pathogenic variant nor as a benign variant, to our knowledge.

NM_153704.6(TMEM67):c.2935G>A (p.Gly979Arg)

Gene: TMEM67 (transmembrane protein 67; plus strand). Cytogenetic location: 8q22.1.
Variant type: single nucleotide variant.
Coding change: c.2935G>A on transcript NM_153704.6 (MANE Select); coding-DNA position 2935, G replaced by A.
Protein change: p.Gly979Arg; replaces glycine 979 with arginine.
Molecular consequence: missense variant. On other transcripts: non-coding transcript variant (1).
Genome position (GRCh38, 1-based): chr8:93,816,399, G>A. VCF-style: chr8-93816399-G-A. GRCh37 (hg19) VCF-style: chr8-94828627-G-A.
Other names: c.2692G>A, p.Gly898Arg (NM_001142301.1); short protein forms G898R, G979R.
Identifiers: ClinVar variation 3897990 (VCV003897990.2).